The following is an entry in ClinVar:

ClinVar aggregate classification (germline): Pathogenic (1 of 4 stars; one submission).

Conditions:
Vici syndrome (VICIS). Identifiers: Orphanet 1493, MedGen C1855772, MONDO:0009452, OMIM 242840.

gnomAD v4.1: 2 of 1,608,826 alleles (0.00012%); highest among the groups gnomAD compares: Non-Finnish European, 0.00017%; no homozygotes.

Submission:

Labcorp Genetics (formerly Invitae), Labcorp
Classification: Pathogenic for Vici syndrome. Last evaluated: 2024-02-29. Review status: criteria provided, single submitter. Criteria: Invitae Variant Classification Sherloc (09022015). Collection method: clinical testing. Allele origin: germline.
Comment: This sequence change creates a premature translational stop signal (p.Gln1231*) in the EPG5 gene. It is expected to result in an absent or disrupted protein product. Loss-of-function variants in EPG5 are known to be pathogenic (PMID: 23222957, 23674064). This variant is not present in population databases (gnomAD no frequency). This variant has not been reported in the literature in individuals affected with EPG5-related conditions. Algorithms developed to predict the effect of sequence changes on RNA splicing suggest that this variant may disrupt the consensus splice site. For these reasons, this variant has been classified as Pathogenic.

Literature cited by the submitters: PubMed 23222957; PubMed 23674064.

NM_020964.3(EPG5):c.3691C>T (p.Gln1231Ter)

Gene: EPG5 (ectopic P-granules 5 autophagy tethering factor; minus strand). Cytogenetic location: 18q21.1.
Variant type: single nucleotide variant.
Coding change: c.3691C>T on transcript NM_020964.3 (MANE Select); coding-DNA position 3691, C replaced by T.
Protein change: p.Gln1231Ter; replaces glutamine 1231 with a stop codon.
Molecular consequence: nonsense.
Genome position (GRCh38, 1-based): chr18:45,915,513, G>A on the plus strand (C>T on the coding strand, the complement: EPG5 is on the minus strand). VCF-style: chr18-45915513-G-A. GRCh37 (hg19) VCF-style: chr18-43495478-G-A.
Other names: c.3691C>T, p.Gln1231Ter (NM_001410858.1, NM_001410859.1); short protein forms Q1231*.
Identifiers: ClinVar variation 3643593 (VCV003643593.2).
Genomic context (GRCh38, chr18:45,915,513, plus strand): 5'-TGATCATGAGATTAAAGTTCACAAAGATAACAAATGATCCTCTCAGTGAGTTTCCTACCT[G>A]AGTGGGCGTGGCCAAGCCCTCCACAAAGGAAGGAGTGATGTTGCCTGCCACAATCCAGCT-3'